The following is an entry in ClinVar:

NM_002160.4(TNC):c.5722C>T (p.Arg1908Ter)

Gene: TNC (tenascin C; minus strand). Cytogenetic location: 9q33.1.
Variant type: single nucleotide variant.
Coding change: c.5722C>T on transcript NM_002160.4 (MANE Select); coding-DNA position 5722, C replaced by T.
Protein change: p.Arg1908Ter; replaces arginine 1908 with a stop codon.
Molecular consequence: nonsense.
Genome position (GRCh38, 1-based): chr9:115,035,269, G>A on the plus strand (C>T on the coding strand, the complement: TNC is on the minus strand). VCF-style: chr9-115035269-G-A. GRCh37 (hg19) VCF-style: chr9-117797548-G-A.
Other names: c.5722C>T (NM_002160.3); c.5176C>T, p.Arg1726Ter (NM_001410991.1); short protein forms R1726*, R1908*.
Identifiers: ClinVar variation 3068984 (VCV003068984.3), dbSNP rs749516851, ClinGen allele CA198682454.

ClinVar aggregate classification (germline): Uncertain significance. Review status: criteria provided, multiple submitters, no conflicts (2 of 4 stars). 2 submissions from 2 submitters: Uncertain significance (2). Last evaluated 2025-05-19.

Conditions:
TNC-related disorder. Also called: TNC-related condition.

Allele frequency attached by ClinVar (database versions not stated): gnomAD exomes below 0.00001.
gnomAD v4.1: 6 of 1,613,132 alleles (0.00037%); highest among the groups gnomAD compares: South Asian, 0.0011%; no homozygotes.

Submissions (2):

PreventionGenetics, part of Exact Sciences
Classification: Uncertain significance for TNC-related condition. Last evaluated: 2025-05-19. Review status: criteria provided, single submitter. Criteria: ACMG Guidelines, 2015. Collection method: clinical testing. Allele origin: germline.
Comment: The TNC c.5722C>T variant is predicted to result in premature protein termination (p.Arg1908*). To our knowledge, this variant has not been reported in the literature. This variant is reported in 0.00088% of alleles in individuals of European (Non-Finnish) descent in gnomAD. At this time, the clinical significance of this variant is uncertain due to the absence of conclusive functional and genetic evidence.

Women's Health and Genetics/Laboratory Corporation of America, LabCorp
Classification: Uncertain significance. Last evaluated: 2024-02-27. Review status: criteria provided, single submitter. Criteria: LabCorp Variant Classification Summary - May 2015. Collection method: clinical testing. Allele origin: germline.
Comment: Variant summary: TNC c.5722C>T (p.Arg1908X) results in a premature termination codon, predicted to cause a truncation of the encoded protein or absence of the protein due to nonsense mediated decay. Although truncation variants have been reported in affected individuals in the literature (e.g. PMIDs 35062939, 36597107), however current evidence is not sufficient to establish loss-of-function variants in TNC as causative of disease. The variant allele was found at a frequency of 4.1e-06 in 1455126 control chromosomes (gnomAD). The available data on variant occurrences in the general population are insufficient to allow any conclusion about variant significance. To our knowledge, no occurrence of c.5722C>T in individuals affected with Deafness, Autosomal Dominant 56 and no experimental evidence demonstrating its impact on protein function have been reported. No submitters have cited clinical-significance assessments for this variant to ClinVar. Based on the evidence outlined above, the variant was classified as uncertain significance.